The following is an entry in ClinVar:

ClinVar aggregate classification (germline): Benign/Likely benign. Review status: criteria provided, multiple submitters, no conflicts (2 of 4 stars). 6 submissions from 6 submitters: Benign (1); Likely benign (4). 1 of the submissions does not count toward it. Last evaluated 2026-01-05.

Conditions:
Hereditary cancer-predisposing syndrome. Also called: Hereditary neoplastic syndrome; Tumor predisposition; Neoplastic Syndromes, Hereditary; Hereditary Cancer Syndrome. Identifiers: Orphanet 140162, MedGen C0027672, MeSH D009386, MONDO:0015356.
SDHA-related disorder. Also called: SDHA-related disorders; SDHA-related condition.
Pheochromocytoma/paraganglioma syndrome 5. Also called: Paragangliomas 5; SDHA-Related Hereditary Paraganglioma-Pheochromocytoma Syndrome. Identifiers: Orphanet 29072, MedGen C3279992, MONDO:0013602, OMIM 614165.
Mitochondrial complex II deficiency, nuclear type 1. Also called: SUCCINATE CoQ REDUCTASE DEFICIENCY. Identifiers: Orphanet 3208, MedGen C5700310, MONDO:0100294, OMIM 252011.

Allele frequency attached by ClinVar (database versions not stated): ExAC 0.00002; TOPMed 0.00004; ESP Exome Variant Server 0.00008.
gnomAD v4.1: 53 of 1,614,010 alleles (0.0033%); highest among the groups gnomAD compares: Non-Finnish European, 0.0044%; no homozygotes.

Submissions (6):

Labcorp Genetics (formerly Invitae), Labcorp
Classification: Likely benign for Pheochromocytoma/paraganglioma syndrome 5; Mitochondrial complex II deficiency, nuclear type 1. Last evaluated: 2026-01-05. Review status: criteria provided, single submitter. Criteria: Invitae Variant Classification Sherloc (09022015). Collection method: clinical testing. Allele origin: germline.

CeGaT Center for Human Genetics Tuebingen
Classification: Likely benign. Last evaluated: 2025-07-01. Review status: criteria provided, single submitter. Criteria: CeGaT Center For Human Genetics Tuebingen Variant Classification Criteria Version 2. Collection method: clinical testing. Allele origin: germline. Affected: yes. Observed: 1 variant allele.
Comment: SDHA: BP4, BP7

Myriad Genetics, Inc.
Classification: Benign for Pheochromocytoma/paraganglioma syndrome 5. Last evaluated: 2025-03-07. Review status: criteria provided, single submitter. Criteria: Myriad Autosomal Dominant, Autosomal Recessive and X-Linked Classification Criteria (2023). Collection method: clinical testing. Allele origin: unknown.
Comment: This variant is considered benign. This variant is a silent/synonymous amino acid change and it is not expected to impact splicing.

Blueprint Genetics
Classification: Likely benign. Last evaluated: 2024-09-25. Review status: criteria provided, single submitter. Criteria: ACMG Guidelines, 2015. Collection method: clinical testing. Allele origin: germline.

Ambry Genetics
Classification: Likely benign for Hereditary cancer-predisposing syndrome. Last evaluated: 2015-08-10. Review status: criteria provided, single submitter. Criteria: Ambry Variant Classification Scheme 2023. Collection method: clinical testing. Allele origin: germline.

PreventionGenetics, part of Exact Sciences
Classification: Likely benign for SDHA-related condition. Last evaluated: 2022-03-16. Review status: no assertion criteria provided. Collection method: clinical testing. Allele origin: germline. Not counted in ClinVar's aggregate classification.
Comment: This variant is classified as likely benign based on ACMG/AMP sequence variant interpretation guidelines (Richards et al. 2015 PMID: 25741868, with internal and published modifications).

NM_004168.4(SDHA):c.999C>G (p.Val333=)

Gene: SDHA (succinate dehydrogenase complex flavoprotein subunit A; plus strand). Cytogenetic location: 5p15.33.
Variant type: single nucleotide variant.
Coding change: c.999C>G on transcript NM_004168.4 (MANE Select); coding-DNA position 999, C replaced by G.
Protein change: p.Val333=; no amino-acid change (valine 333 retained).
Molecular consequence: synonymous variant.
Genome position (GRCh38, 1-based): chr5:233,580, C>G. VCF-style: chr5-233580-C-G. GRCh37 (hg19) VCF-style: chr5-233695-C-G.
Other names: c.855C>G, p.Val285= (NM_001294332.2); c.999C>G, p.Val333= (NM_001330758.2).
Identifiers: ClinVar variation 472425 (VCV000472425.28), dbSNP rs149556555, ClinGen allele CA3173061.